The following is an entry in ClinVar:

NM_001378615.1(CC2D2A):c.3577A>G (p.Ile1193Val)

Genes: CC2D2A (coiled-coil and C2 domain containing 2A; plus strand), FBXL5 (F-box and leucine rich repeat protein 5; minus strand). Cytogenetic location: 4p15.32.
Variant type: single nucleotide variant.
Coding change: c.3577A>G on transcript NM_001378615.1 (MANE Select); coding-DNA position 3577, A replaced by G.
Protein change: p.Ile1193Val; replaces isoleucine 1193 with valine.
Molecular consequence: missense variant.
Genome position (GRCh38, 1-based): chr4:15,570,479, A>G. VCF-style: chr4-15570479-A-G. GRCh37 (hg19) VCF-style: chr4-15572102-A-G.
Other names: c.3577A>G, p.Ile1193Val (NM_001080522.2); c.3430A>G, p.Ile1144Val (NM_001378617.1); short protein forms I1193V, I1144V.
Identifiers: ClinVar variation 288557 (VCV000288557.24), dbSNP rs188891842, ClinGen allele CA2864205.

ClinVar aggregate classification (germline): Conflicting classifications of pathogenicity. Review status: criteria provided, conflicting classifications (1 of 4 stars). 8 submissions from 8 submitters: Uncertain significance (4); Likely benign (3). 1 of the submissions does not count toward it. Last evaluated 2026-02-03.

Conditions:
Inborn genetic diseases. Identifiers: MedGen C0950123, MeSH D030342.
CC2D2A-related disorder. Also called: CC2D2A-related disorders; CC2D2A-related condition. Identifiers: MedGen CN239313.
Joubert syndrome. Also called: Familial aplasia of the vermis; JOUBERT-BOLTSHAUSER SYNDROME. Identifiers: Orphanet 475, MedGen C5979921, MONDO:0018772.
Meckel-Gruber syndrome. Also called: Dysencephalia splachnocystica; DYSENCEPHALIA SPLANCHNOCYSTICA; GRUBER SYNDROME. Identifiers: Orphanet 564, MedGen C0265215, MONDO:0018921.
COACH syndrome 1. Identifiers: Orphanet 1454, MedGen C5435651, MONDO:0800103, OMIM 216360, MONDO:0008996.
Joubert syndrome 9 (JBTS9). Identifiers: Orphanet 2318, MedGen C2676788, MONDO:0012849, OMIM 612285.
Meckel syndrome, type 6. Identifiers: Orphanet 564, MedGen C2676790, MONDO:0012848, OMIM 612284.
Intellectual disability. Also called: intellectual disabilities; Intellectual developmental disorder; Intellectual functioning disability. Identifiers: MedGen C3714756, MeSH D008607, MONDO:0001071, HP:0001249.

Allele frequency attached by ClinVar (database versions not stated): gnomAD exomes 0.00005 and 0.00016; ExAC 0.00025; gnomAD 0.00051 and 0.00053; TOPMed 0.00053; ESP Exome Variant Server 0.00066; 1000 Genomes Project 30x 0.00094; 1000 Genomes Project 0.00100.
gnomAD v4.1: 151 of 1,602,522 alleles (0.0094%); highest among the groups gnomAD compares: African/African-American, 0.17%; no homozygotes.

Submissions (8):

Labcorp Genetics (formerly Invitae), Labcorp
Classification: Likely benign for Joubert syndrome; Meckel-Gruber syndrome. Last evaluated: 2026-02-03. Review status: criteria provided, single submitter. Criteria: Invitae Variant Classification Sherloc (09022015). Collection method: clinical testing. Allele origin: germline.

GeneDx
Classification: Uncertain significance. Last evaluated: 2024-09-04. Review status: criteria provided, single submitter. Criteria: GeneDx Variant Classification Process June 2021. Collection method: clinical testing. Allele origin: germline. Affected: yes.
Comment: In silico analysis indicates that this missense variant does not alter protein structure/function; Has not been previously published as pathogenic or benign to our knowledge; This variant is associated with the following publications: (PMID: 28518168)

Blueprint Genetics
Classification: Likely benign. Last evaluated: 2022-10-07. Review status: criteria provided, single submitter. Criteria: ACMG Guidelines, 2015. Collection method: clinical testing. Allele origin: germline.

Ambry Genetics
Classification: Likely benign for Inborn genetic diseases. Last evaluated: 2022-02-14. Review status: criteria provided, single submitter. Criteria: Ambry Variant Classification Scheme 2023. Collection method: clinical testing. Allele origin: germline.

Cambridge Genomics Laboratory, East Genomic Laboratory Hub, NHS Genomic Medicine Service
Classification: Uncertain significance for Intellectual disability. Last evaluated: 2019-12-06. Review status: criteria provided, single submitter. Criteria: ACGS Best Practice Guidelines for Variant Classification in Rare Disease 2020. Collection method: clinical testing. Allele origin: germline. Affected: yes. Observed: 1 variant allele.

Fulgent Genetics
Classification: Uncertain significance for COACH syndrome 1; Meckel syndrome, type 6; Joubert syndrome 9. Last evaluated: 2018-10-31. Review status: criteria provided, single submitter. Criteria: ACMG Guidelines, 2015. Collection method: clinical testing. Allele origin: unknown.

Eurofins Ntd Llc (ga)
Classification: Uncertain significance. Last evaluated: 2017-08-17. Review status: criteria provided, single submitter. Criteria: EGL Classification Definitions 2015. Collection method: clinical testing. Allele origin: germline. Observed: 10 variant alleles, 10 heterozygotes.

PreventionGenetics, part of Exact Sciences
Classification: Likely benign for CC2D2A-related condition. Last evaluated: 2023-02-07. Review status: no assertion criteria provided. Collection method: clinical testing. Allele origin: germline. Not counted in ClinVar's aggregate classification.
Comment: This variant is classified as likely benign based on ACMG/AMP sequence variant interpretation guidelines (Richards et al. 2015 PMID: 25741868, with internal and published modifications).

Literature cited by the submitters: PubMed 28518168 (cited by Ambry Genetics); PubMed 32461654 (cited by Ambry Genetics).